The following is an entry in ClinVar:

NM_001103.4(ACTN2):c.2526+33A>G

Gene: ACTN2 (actinin alpha 2; plus strand). Cytogenetic location: 1q43.
Variant type: single nucleotide variant.
Coding change: c.2526+33A>G on transcript NM_001103.4 (MANE Select); 33 bases into the intron after coding-DNA position 2526, A replaced by G.
Molecular consequence: intron variant.
Genome position (GRCh38, 1-based): chr1:236,761,206, A>G. VCF-style: chr1-236761206-A-G. GRCh37 (hg19) VCF-style: chr1-236924506-A-G.
Other names: c.1902+33A>G (NM_001278344.2); c.2526+33A>G (NM_001278343.2).
Identifiers: ClinVar variation 671063 (VCV000671063.6), dbSNP rs2282366, ClinGen allele CA1473468.

ClinVar aggregate classification (germline): Benign. Review status: criteria provided, multiple submitters, no conflicts (2 of 4 stars). 4 submissions from 4 submitters: Benign (4). Last evaluated 2026-09-21.

Conditions:
Myopathy, congenital, with structured cores and z-line abnormalities. Also called: MULTIPLE STRUCTURED CORE DISEASE; CONGENITAL MYOPATHY 8. Identifiers: MedGen C5231445, MONDO:0032852, OMIM 618654.

Allele frequency attached by ClinVar (database versions not stated): gnomAD 0.85706 and 0.85315; ESP Exome Variant Server 0.86091; ExAC 0.84995; TOPMed 0.85257; 1000 Genomes Project 0.79812; 1000 Genomes Project 30x 0.80028; gnomAD exomes 0.85337 and 0.87736.
gnomAD v4.1: 1,410,871 of 1,613,256 alleles (87%); highest among the groups gnomAD compares: Non-Finnish European, 90%; 619,022 homozygotes.

Submissions (4):

Molecular Diagnostic Laboratory for Inherited Cardiovascular Disease, Montreal Heart Institute
Classification: Benign. Last evaluated: 2026-09-21. Review status: criteria provided, single submitter. Criteria: ACMG Guidelines, 2015. Collection method: clinical testing. Allele origin: germline. Affected: no.
Comment: BA1

Genome-Nilou Lab
Classification: Benign for Myopathy, congenital, with structured cores and z-line abnormalities. Last evaluated: 2021-07-14. Review status: criteria provided, single submitter. Criteria: ACMG Guidelines, 2015. Collection method: clinical testing. Allele origin: germline. Affected: no.

GeneDx
Classification: Benign. Last evaluated: 2018-06-14. Review status: criteria provided, single submitter. Criteria: GeneDx Variant Classification (06012015). Collection method: clinical testing. Allele origin: germline. Affected: yes.
Comment: This variant is considered likely benign or benign based on one or more of the following criteria: it is a conservative change, it occurs at a poorly conserved position in the protein, it is predicted to be benign by multiple in silico algorithms, and/or has population frequency not consistent with disease.

Breakthrough Genomics
Classification: Benign. Review status: criteria provided, single submitter. Criteria: ACMG Guidelines, 2015. Collection method: not provided. Allele origin: germline. Inheritance: Autosomal dominant inheritance. Affected: yes.